The following is an entry in ClinVar:

NM_001367624.2(ZNF469):c.5311G>A (p.Glu1771Lys)

Gene: ZNF469 (zinc finger protein 469; plus strand). Cytogenetic location: 16q24.2.
Variant type: single nucleotide variant.
Coding change: c.5311G>A on transcript NM_001367624.2 (MANE Select); coding-DNA position 5311, G replaced by A.
Protein change: p.Glu1771Lys; replaces glutamic acid 1771 with lysine.
Molecular consequence: missense variant.
Genome position (GRCh38, 1-based): chr16:88,432,781, G>A. VCF-style: chr16-88432781-G-A. GRCh37 (hg19) VCF-style: chr16-88499189-G-A.
Other names: NM_001127464.1:c.5227G>A; short protein forms E1771K.
Identifiers: ClinVar variation 4867023 (VCV004867023.1).

ClinVar aggregate classification (germline): Uncertain significance (1 of 4 stars; one submission).

Conditions:
Cardiovascular phenotype. Identifiers: MedGen CN230736.

Submission:

Ambry Genetics
Classification: Uncertain significance for Cardiovascular phenotype. Last evaluated: 2026-05-28. Review status: criteria provided, single submitter. Criteria: Ambry Variant Classification Scheme 2023. Collection method: clinical testing. Allele origin: germline.
Comment: The p.E1743K variant (also known as c.5227G>A), located in coding exon 2 of the ZNF469 gene, results from a G to A substitution at nucleotide position 5227. The glutamic acid at codon 1743 is replaced by lysine, an amino acid with similar properties. This amino acid position is conserved. In addition, this alteration is predicted to be tolerated by in silico analysis. Based on the available evidence, the clinical significance of this variant remains unclear.